The following is an entry in ClinVar:

ClinVar aggregate classification (germline): Likely benign (0 of 4 stars; one submission).

Conditions:
PTPRT-related disorder. Also called: PTPRT-related condition.

Allele frequency attached by ClinVar (database versions not stated): gnomAD exomes 0.00005; ExAC 0.00011; 1000 Genomes Project 0.00020; 1000 Genomes Project 30x 0.00031; ESP Exome Variant Server 0.00040; gnomAD 0.00054; TOPMed 0.00063.
gnomAD v4.1: 153 of 1,607,920 alleles (0.0095%); highest among the groups gnomAD compares: African/African-American, 0.18%; no homozygotes.

Submission:

PreventionGenetics, part of Exact Sciences
Classification: Likely benign for PTPRT-related condition. Last evaluated: 2019-12-11. Review status: no assertion criteria provided. Collection method: clinical testing. Allele origin: germline.
Comment: This variant is classified as likely benign based on ACMG/AMP sequence variant interpretation guidelines (Richards et al. 2015 PMID: 25741868, with internal and published modifications).

NM_007050.6(PTPRT):c.4290A>G (p.Val1430=)

Gene: PTPRT (protein tyrosine phosphatase receptor type T; minus strand). Cytogenetic location: 20q12.
Variant type: single nucleotide variant.
Coding change: c.4290A>G on transcript NM_007050.6 (MANE Select); coding-DNA position 4290, A replaced by G.
Protein change: p.Val1430=; no amino-acid change (valine 1430 retained).
Molecular consequence: synonymous variant.
Genome position (GRCh38, 1-based): chr20:42,080,915, T>C on the plus strand (A>G on the coding strand, the complement: PTPRT is on the minus strand). VCF-style: chr20-42080915-T-C. GRCh37 (hg19) VCF-style: chr20-40709555-T-C.
Other names: c.4347A>G, p.Val1449= (NM_001394024.1, NM_133170.4); c.4314A>G, p.Val1438= (NM_001394025.1).
Identifiers: ClinVar variation 3046011 (VCV003046011.2), dbSNP rs35393708, ClinGen allele CA9863580.